The following is an entry in ClinVar:

NM_006904.7(PRKDC):c.8614G>C (p.Asp2872His)

Genes: PRKDC (protein kinase, DNA-activated, catalytic subunit; minus strand), LOC121740717 (Sharpr-MPRA regulatory region 7649; plus strand). Cytogenetic location: 8q11.21.
Variant type: single nucleotide variant.
Coding change: c.8614G>C on transcript NM_006904.7 (MANE Select); coding-DNA position 8614, G replaced by C.
Protein change: p.Asp2872His; replaces aspartic acid 2872 with histidine.
Molecular consequence: missense variant.
Genome position (GRCh38, 1-based): chr8:47,826,825, C>G on the plus strand (G>C on the coding strand, the complement: PRKDC is on the minus strand). VCF-style: chr8-47826825-C-G. GRCh37 (hg19) VCF-style: chr8-48739386-C-G.
Other names: c.8614G>C, p.Asp2872His (NM_001081640.2); short protein forms D2872H.
Identifiers: ClinVar variation 1438884 (VCV001438884.6), dbSNP rs1436069671, ClinGen allele CA371144105.

ClinVar aggregate classification (germline): Uncertain significance (1 of 4 stars; one submission).

Conditions:
Severe combined immunodeficiency due to DNA-PKcs deficiency. Also called: Immunodeficiency 26 with or without neurologic abnormalities; IMMUNODEFICIENCY 26 WITH NEUROLOGIC ABNORMALITIES. Identifiers: Orphanet 317425, MedGen C4014833, MONDO:0014423, OMIM 615966.

Allele frequency attached by ClinVar (database versions not stated): gnomAD 0.00001; TOPMed 0.00002.
gnomAD v4.1: 14 of 1,600,602 alleles (0.00087%); highest among the groups gnomAD compares: African/African-American, 0.004%; no homozygotes.

Submission:

Labcorp Genetics (formerly Invitae), Labcorp
Classification: Uncertain significance for Severe combined immunodeficiency due to DNA-PKcs deficiency. Last evaluated: 2022-01-27. Review status: criteria provided, single submitter. Criteria: Invitae Variant Classification Sherloc (09022015). Collection method: clinical testing. Allele origin: germline.
Comment: In summary, the available evidence is currently insufficient to determine the role of this variant in disease. Therefore, it has been classified as a Variant of Uncertain Significance. Experimental studies and prediction algorithms are not available or were not evaluated, and the functional significance of this variant is currently unknown. This variant has not been reported in the literature in individuals affected with PRKDC-related conditions. This variant is present in population databases (no rsID available, gnomAD 0.005%). This sequence change replaces aspartic acid, which is acidic and polar, with histidine, which is basic and polar, at codon 2872 of the PRKDC protein (p.Asp2872His).